The following is an entry in ClinVar:

ClinVar aggregate classification (germline): Likely pathogenic (1 of 4 stars; one submission).

Conditions:
Hyperinsulinemic hypoglycemia, familial, 1 (HHF1). Also called: HYPERINSULINISM, FAMILIAL, WITH PANCREATIC NESIDIOBLASTOSIS; HYPOGLYCEMIA, HYPERINSULINEMIC, OF INFANCY; NESIDIOBLASTOSIS OF PANCREAS; Persistent hyperinsulinemic hypoglycemia of infancy; Persistent Hyperinsulinemia Hypoglycemia of Infancy. Identifiers: Orphanet 276575, Orphanet 276598, MedGen C2931832, MONDO:0009734, OMIM 256450.

Submission:

Myriad Genetics, Inc.
Classification: Likely pathogenic for Hyperinsulinemic hypoglycemia, familial, 1. Last evaluated: 2022-01-24. Review status: criteria provided, single submitter. Criteria: Myriad Women's Health Autosomal Recessive and X-Linked Classification Criteria (2021). Collection method: clinical testing. Allele origin: unknown.
Comment: NM_000352.3(ABCC8):c.326delC(P109Qfs*28) is expected to be pathogenic in the context of familial hyperinsulinism, ABCC8-related. This variant is predicted to lead to an abnormal or absent protein product due to the creation of a premature termination codon in ABCC8, a gene where loss-of-function variants are known to be pathogenic. Please note: this variant was assessed in the context of healthy population screening.

NM_000352.6(ABCC8):c.326del (p.Pro109fs)

Gene: ABCC8 (ATP binding cassette subfamily C member 8; minus strand). Cytogenetic location: 11p15.1.
Variant type: Deletion.
Coding change: c.326del on transcript NM_000352.6 (MANE Select); coding-DNA position 326, one base deleted (C; older notation c.326delC).
Protein change: p.Pro109fs; shifts the reading frame from proline 109.
Molecular consequence: frameshift variant. On other transcripts: non-coding transcript variant (1).
Genome position (GRCh38, 1-based): chr11:17,470,187, G deleted on the plus strand (C on the coding strand, the reverse complement: ABCC8 is on the minus strand); the first of 2 consecutive G bases (chr11:17,470,187-17,470,188); deleting either gives the same sequence. VCF-style (leftmost placement, unchanged base first): chr11-17470186-TG-T. GRCh37 (hg19) VCF-style: chr11-17491733-TG-T.
Other names: c.326del, p.Pro109fs (NM_001287174.3, NM_001351295.2, NM_001351296.2 and 1 more transcripts); short protein forms P109fs.
Identifiers: ClinVar variation 1724055 (VCV001724055.2), dbSNP rs2496898064, ClinGen allele CA2580082752.